The following is an entry in ClinVar:

NM_014263.4(YME1L1):c.641G>C (p.Gly214Ala)

Gene: YME1L1 (YME1 like 1 ATPase; minus strand). Cytogenetic location: 10p12.1.
Variant type: single nucleotide variant.
Coding change: c.641G>C on transcript NM_014263.4 (MANE Select); coding-DNA position 641, G replaced by C.
Protein change: p.Gly214Ala; replaces glycine 214 with alanine.
Molecular consequence: missense variant.
Genome position (GRCh38, 1-based): chr10:27,134,881, C>G on the plus strand (G>C on the coding strand, the complement: YME1L1 is on the minus strand). VCF-style: chr10-27134881-C-G. GRCh37 (hg19) VCF-style: chr10-27423810-C-G.
Other names: c.542G>C, p.Gly181Ala (NM_001253866.2); c.812G>C, p.Gly271Ala (NM_139312.3); short protein forms G271A, G214A, G181A.
Identifiers: ClinVar variation 1947017 (VCV001947017.5), dbSNP rs764012646, ClinGen allele CA5449538.
Genomic context (GRCh38, chr10:27,134,881, plus strand): 5'-TTCAACTTACCATTGGTTTTTTGTGTGAGTGCTTGAGCTTTCAGAAAACCTTCCGCAAAA[C>G]CAGTTTTAAATGCATCTTGGTGAGCTTCAGGTATATTTTTGGTTTTCATGAGTTTGTCCA-3'
Protein context (NP_055078.1, residues 204-224): PEAHQDAFKT[Gly214Ala]FAEGFLKAQA

ClinVar aggregate classification (germline): Uncertain significance (1 of 4 stars; one submission).

Allele frequency attached by ClinVar (database versions not stated): gnomAD exomes 0.00001; TOPMed 0.00001; ExAC 0.00002.
gnomAD v4.1: 5 of 1,614,046 alleles (0.00031%); highest among the groups gnomAD compares: Admixed American, 0.0067%; no homozygotes.

Submission:

Labcorp Genetics (formerly Invitae), Labcorp
Classification: Uncertain significance. Last evaluated: 2025-12-31. Review status: criteria provided, single submitter. Criteria: Invitae Variant Classification Sherloc (09022015). Collection method: clinical testing. Allele origin: germline.
Comment: This sequence change replaces glycine, which is neutral and non-polar, with alanine, which is neutral and non-polar, at codon 271 of the YME1L1 protein (p.Gly271Ala). This variant is present in population databases (rs764012646, gnomAD 0.009%). This variant has not been reported in the literature in individuals affected with YME1L1-related conditions. ClinVar contains an entry for this variant (Variation ID: 1947017). An algorithm developed to predict the effect of missense changes on protein structure and function (PolyPhen-2) suggests that this variant is likely to be disruptive. In summary, the available evidence is currently insufficient to determine the role of this variant in disease. Therefore, it has been classified as a Variant of Uncertain Significance.